The following is an entry in ClinVar:

NM_005188.4(CBL):c.1688G>C (p.Arg563Pro)

Gene: CBL (Cbl proto-oncogene; plus strand). Cytogenetic location: 11q23.3.
Variant type: single nucleotide variant.
Coding change: c.1688G>C on transcript NM_005188.4 (MANE Select); coding-DNA position 1688, G replaced by C.
Protein change: p.Arg563Pro; replaces arginine 563 with proline.
Molecular consequence: missense variant.
Genome position (GRCh38, 1-based): chr11:119,285,313, G>C. VCF-style: chr11-119285313-G-C. GRCh37 (hg19) VCF-style: chr11-119156023-G-C.
Other names: short protein forms R563P.
Identifiers: ClinVar variation 4219835 (VCV004219835.1).

ClinVar aggregate classification (germline): Uncertain significance (1 of 4 stars; one submission).

Conditions:
Cardiovascular phenotype. Identifiers: MedGen CN230736.

gnomAD v4.1: 1 of 1,613,992 alleles (0.000062%); highest among the groups gnomAD compares: Non-Finnish European, 0.000085%; no homozygotes.

Submission:

Ambry Genetics
Classification: Uncertain significance for Cardiovascular phenotype. Last evaluated: 2025-06-20. Review status: criteria provided, single submitter. Criteria: Ambry Variant Classification Scheme 2023. Collection method: clinical testing. Allele origin: germline.
Comment: The p.R563P variant (also known as c.1688G>C), located in coding exon 11 of the CBL gene, results from a G to C substitution at nucleotide position 1688. The arginine at codon 563 is replaced by proline, an amino acid with dissimilar properties. This amino acid position is conserved. In addition, this alteration is predicted to be deleterious by in silico analysis. Based on the available evidence, the clinical significance of this variant remains unclear.